The following is an entry in ClinVar:

ClinVar aggregate classification (germline): Uncertain significance (1 of 4 stars; one submission).

Conditions:
Microcephaly 13, primary, autosomal recessive. Identifiers: Orphanet 808, MedGen C4015080, MONDO:0014473, OMIM 616051.

Submission:

Baylor Genetics
Classification: Uncertain significance for Microcephaly 13, primary, autosomal recessive. Last evaluated: 2020-06-09. Review status: criteria provided, single submitter. Criteria: ACMG Guidelines, 2015. Collection method: clinical testing. Allele origin: unknown. Affected: yes.
Comment: This variant was determined to be of uncertain significance according to ACMG Guidelines, 2015 [PMID:25741868].

NM_001813.3(CENPE):c.1722+5G>A

Gene: CENPE (centromere protein E; minus strand). Cytogenetic location: 4q24.
Variant type: single nucleotide variant.
Coding change: c.1722+5G>A on transcript NM_001813.3 (MANE Select); 5 bases into the intron after coding-DNA position 1722, G replaced by A.
Molecular consequence: intron variant.
Genome position (GRCh38, 1-based): chr4:103,163,474, C>T on the plus strand (G>A on the coding strand, the complement: CENPE is on the minus strand). VCF-style: chr4-103163474-C-T. GRCh37 (hg19) VCF-style: chr4-104084631-C-T.
Other names: c.1648-218G>A (NM_001286734.2).
Identifiers: ClinVar variation 1030480 (VCV001030480.1), dbSNP rs1754632871, ClinGen allele CA1481693224.